The following is an entry in ClinVar:

ClinVar aggregate classification (germline): Pathogenic (1 of 4 stars; one submission).

Conditions:
Neurodevelopmental disorder with microcephaly, arthrogryposis, and structural brain anomalies. Identifiers: Orphanet 664923, MedGen C5231431, MONDO:0032838, OMIM 618622.

Submission:

Broad Center for Mendelian Genomics, Broad Institute of MIT and Harvard
Classification: Pathogenic for Neurodevelopmental disorder with microcephaly, arthrogryposis, and structural brain anomalies. Last evaluated: 2023-08-24. Review status: criteria provided, single submitter. Criteria: ACMG/ClinGen CNV Guidelines, 2019. Collection method: research. Allele origin: paternal. Inheritance: Autosomal recessive inheritance. Affected: yes.
Comment: These breakpoints have been estimated by exome sequencing only and therefore may not reflect the true breakpoints. The patient phenotype is nonspecific, but is consistent with cases described in the literature and/or published databases with overlapping variants. There is complete overlap with the SMPD4 gene, which is not known to be haploinsufficient, and has not been assessed by the ClinGen Dosage Sensitivity Working Group. However, loss of function of SMPD4 is an established disease mechanism in autosomal recessive neurodevelopmental disorder with microcephaly, arthrogryposis, and structural brain anomalies. A reported proband from the DECIPHER database has a copy number variant similar in genomic content to the variant in our study. The reported phenotype is nonspecific (DECIPHER: 488462). In summary, this variant meets criteria to be classified as pathogenic for autosomal recessive neurodevelopmental disorder, microcephaly, arthrogryposis, and structural brain anomalies. The ACMG/ClinGen evidence codes and points used in this curation are as follows: 1: 0 points, 2: 0.90 points, 3: 0 points, 4-5: 0.38 points; Total: 1.28 points; Riggs 2020 (PMID: 31690835).

GRCh38/hg38 2q21.1(chr2:130099219-130374931)x1

Genes: CCDC115 (coiled-coil domain containing 115; minus strand), CCDC74B (coiled-coil domain containing 74B; minus strand), IMP4 (IMP U3 small nucleolar ribonucleoprotein 4; plus strand), MZT2B (mitotic spindle organizing protein 2B; plus strand), POTEF (POTE ankyrin domain family member F; minus strand) and 16 more. Cytogenetic location: 2q21.1.
Variant type: copy number loss.
Change: copy number 1 (one copy instead of two) of chr2:130,099,219-130,374,931 (275.7 kb, GRCh38 coordinates, 1-based), cytogenetic band 2q21.1.
Identifiers: ClinVar variation 2579260 (VCV002579260.1).